The following is an entry in ClinVar:

ClinVar aggregate classification (germline): Uncertain significance (1 of 4 stars; one submission).

Conditions:
Spastic paraplegia. Identifiers: MedGen C0037772, HP:0001258.

Allele frequency attached by ClinVar (database versions not stated): gnomAD exomes below 0.00001; gnomAD 0.00002.
gnomAD v4.1: 5 of 1,208,733 alleles (0.00041%); highest among the groups gnomAD compares: Admixed American, 0.0022%; no homozygotes.

Submission:

Labcorp Genetics (formerly Invitae), Labcorp
Classification: Uncertain significance for Spastic paraplegia. Last evaluated: 2022-07-23. Review status: criteria provided, single submitter. Criteria: Invitae Variant Classification Sherloc (09022015). Collection method: clinical testing. Allele origin: germline.
Comment: This sequence change replaces arginine, which is basic and polar, with cysteine, which is neutral and slightly polar, at codon 1445 of the KDM5C protein (p.Arg1445Cys). In summary, the available evidence is currently insufficient to determine the role of this variant in disease. Therefore, it has been classified as a Variant of Uncertain Significance. Advanced modeling of protein sequence and biophysical properties (such as structural, functional, and spatial information, amino acid conservation, physicochemical variation, residue mobility, and thermodynamic stability) performed at Invitae indicates that this missense variant is not expected to disrupt KDM5C protein function. This variant has not been reported in the literature in individuals affected with KDM5C-related conditions. The frequency data for this variant in the population databases is considered unreliable, as metrics indicate poor data quality at this position in the gnomAD database.

NM_004187.5(KDM5C):c.4333C>T (p.Arg1445Cys)

Gene: KDM5C (lysine demethylase 5C; minus strand). Cytogenetic location: Xp11.22.
Variant type: single nucleotide variant.
Coding change: c.4333C>T on transcript NM_004187.5 (MANE Select); coding-DNA position 4333, C replaced by T.
Protein change: p.Arg1445Cys; replaces arginine 1445 with cysteine.
Molecular consequence: missense variant. On other transcripts: intron variant (5).
Genome position (GRCh38, 1-based): chrX:53,193,317, G>A on the plus strand (C>T on the coding strand, the complement: KDM5C is on the minus strand). VCF-style: chrX-53193317-G-A. GRCh37 (hg19) VCF-style: chrX-53222499-G-A.
Other names: c.4330C>T, p.Arg1444Cys (NM_001282622.3); c.4324C>T, p.Arg1442Cys (NM_001353978.3); c.4305+120C>T (NM_001353982.2); c.4314+120C>T (NM_001353979.2); c.4308+120C>T (NM_001353981.2, NM_001353984.2); c.4046+181C>T (NM_001146702.2); short protein forms R1442C, R1445C, R1444C.
Identifiers: ClinVar variation 2198404 (VCV002198404.4), dbSNP rs1556832647, ClinGen allele CA413104945.